The following is an entry in ClinVar:

ClinVar aggregate classification (germline): Uncertain significance. Review status: criteria provided, multiple submitters, no conflicts (2 of 4 stars). 4 submissions from 4 submitters: Uncertain significance (3). 1 of the submissions does not count toward it. Last evaluated 2024-10-18.

Conditions:
Cardiomyopathy (CMYO). Also called: Cardiomyopathies. Identifiers: Orphanet 167848, MedGen C0878544, MONDO:0004994, HP:0001638. Inheritance: Various modes of inheritance.
Hypertrophic cardiomyopathy 10. Also called: CARDIOMYOPATHY, HYPERTROPHIC, MID-LEFT VENTRICULAR CHAMBER TYPE, 2; MYL2-Related Familial Hypertrophic Cardiomyopathy. Identifiers: MedGen C1834460, MONDO:0012112, OMIM 608758.

Allele frequency attached by ClinVar (database versions not stated): TOPMed below 0.00001; ExAC 0.00001; gnomAD exomes below 0.00001.

Submissions (4):

Blueprint Genetics
Classification: Uncertain significance. Last evaluated: 2024-10-18. Review status: criteria provided, single submitter. Criteria: ACMG Guidelines, 2015. Collection method: clinical testing. Allele origin: germline.

Labcorp Genetics (formerly Invitae), Labcorp
Classification: Uncertain significance for Hypertrophic cardiomyopathy 10. Last evaluated: 2024-09-02. Review status: criteria provided, single submitter. Criteria: Invitae Variant Classification Sherloc (09022015). Collection method: clinical testing. Allele origin: germline.
Comment: This sequence change replaces lysine, which is basic and polar, with glutamic acid, which is acidic and polar, at codon 104 of the MYL2 protein (p.Lys104Glu). This variant is present in population databases (rs199474811, gnomAD 0.0009%). This missense change has been observed in individual(s) with hypertrophic cardiomyopathy (PMID: 11748309, 24111713). This variant is also known as Lys103Glu. ClinVar contains an entry for this variant (Variation ID: 31770). An algorithm developed to predict the effect of missense changes on protein structure and function (PolyPhen-2) suggests that this variant is likely to be tolerated. Experimental studies have shown that this missense change affects MYL2 function (PMID: 24992035, 25770245, 26385864, 33891674). In summary, the available evidence is currently insufficient to determine the role of this variant in disease. Therefore, it has been classified as a Variant of Uncertain Significance.

Color Diagnostics, LLC DBA Color Health
Classification: Uncertain significance for Cardiomyopathy. Last evaluated: 2023-11-21. Review status: criteria provided, single submitter. Criteria: ACMG Guidelines, 2015. Collection method: clinical testing. Allele origin: germline.
Comment: This missense variant replaces lysine with glutamic acid at codon 104 of the MYL2 protein. Computational prediction tools indicate that this variant has a deleterious impact on protein structure and function. Functional studies using murine models have shown that this variant causes altered protein function and overall gene expression profiles (PMID: 24992035, 25770245). This variant has been reported in two individuals affected with hypertrophic cardiomyopathy (PMID: 11748309, 24111713); one of these individuals carried a second compound heterozygous intronic MYL2 variant that segregated with disease in the family (PMID: 11748309). This variant has been identified in 1/251494 chromosomes in the general population by the Genome Aggregation Database (gnomAD). The available evidence is insufficient to determine the role of this variant in disease conclusively. Therefore, this variant is classified as a Variant of Uncertain Significance.

Leiden Muscular Dystrophy (MYL2)
No classification provided. Last evaluated: 2012-03-26. Review status: no classification provided. Collection method: curation. Allele origin: germline. Not counted in ClinVar's aggregate classification.

Literature cited by the submitters: PubMed 11748309 (cited by Labcorp Genetics (formerly Invitae), Labcorp and Color Diagnostics, LLC DBA Color Health); PubMed 24111713 (cited by Labcorp Genetics (formerly Invitae), Labcorp and Color Diagnostics, LLC DBA Color Health); PubMed 24992035 (cited by Labcorp Genetics (formerly Invitae), Labcorp and Color Diagnostics, LLC DBA Color Health); PubMed 25770245 (cited by Labcorp Genetics (formerly Invitae), Labcorp and Color Diagnostics, LLC DBA Color Health); PubMed 26385864 (cited by Labcorp Genetics (formerly Invitae), Labcorp); PubMed 33891674 (cited by Labcorp Genetics (formerly Invitae), Labcorp).

NM_000432.4(MYL2):c.310A>G (p.Lys104Glu)

Gene: MYL2 (myosin light chain 2; minus strand). Cytogenetic location: 12q24.11.
Variant type: single nucleotide variant.
Coding change: c.310A>G on transcript NM_000432.4 (MANE Select); coding-DNA position 310, A replaced by G.
Protein change: p.Lys104Glu; replaces lysine 104 with glutamic acid.
Molecular consequence: missense variant.
Genome position (GRCh38, 1-based): chr12:110,913,289, T>C on the plus strand (A>G on the coding strand, the complement: MYL2 is on the minus strand). VCF-style: chr12-110913289-T-C. GRCh37 (hg19) VCF-style: chr12-111351093-T-C.
Other names: short protein forms K104E.
Identifiers: ClinVar variation 31770 (VCV000031770.11), dbSNP rs199474811, ClinGen allele CA010079.
Genomic context (GRCh38, chr12:110,913,289, plus strand): 5'-CCACAGACCCCACTCACTAATCAGCCTTCAGCACCCCTTTGCCTTCAGGGTCAAACACTT[T>C]GAATGCGTTGAGAATGGTTTCCTCAGGGTCCGCTCCTGAAACGGAACACAGGGCTTACAT-3'
Protein context (NP_000423.2, residues 94-114): DPEETILNAF[Lys104Glu]VFDPEGKGVL